The following is an entry in ClinVar:

NM_000363.5(TNNI3):c.221G>C (p.Arg74Pro)

Gene: TNNI3 (troponin I3, cardiac type; minus strand). Cytogenetic location: 19q13.42.
Variant type: single nucleotide variant.
Coding change: c.221G>C on transcript NM_000363.5 (MANE Select); coding-DNA position 221, G replaced by C.
Protein change: p.Arg74Pro; replaces arginine 74 with proline.
Molecular consequence: missense variant.
Genome position (GRCh38, 1-based): chr19:55,156,262, C>G on the plus strand (G>C on the coding strand, the complement: TNNI3 is on the minus strand). VCF-style: chr19-55156262-C-G. GRCh37 (hg19) VCF-style: chr19-55667630-C-G.
Other names: c.221G>C (LRG_432t1); short protein forms R74P.
Identifiers: ClinVar variation 264048 (VCV000264048.14), dbSNP rs886039022, ClinGen allele CA10587919.

ClinVar aggregate classification (germline): Uncertain significance. Review status: criteria provided, multiple submitters, no conflicts (2 of 4 stars). 5 submissions from 5 submitters: Uncertain significance (5). Last evaluated 2024-06-09.

Conditions:
Dilated cardiomyopathy 1FF (CMD1FF). Identifiers: Orphanet 154, MedGen C2750091, MONDO:0013211, OMIM 613286.
Hypertrophic cardiomyopathy 7. Also called: TNNI3-Related Familial Hypertrophic Cardiomyopathy; Familial hypertrophic cardiomyopathy 7; CARDIOMYOPATHY, FAMILIAL HYPERTROPHIC, 7, MODIFIER OF. Identifiers: MedGen C1860752, MONDO:0013369, OMIM 613690.
Dilated cardiomyopathy 2A (CMD2A). Also called: CARDIOMYOPATHY, CONGESTIVE, AUTOSOMAL RECESSIVE; CARDIOMYOPATHY, DILATED, AUTOSOMAL RECESSIVE. Identifiers: Orphanet 154, MedGen C2678474, MONDO:0012746, OMIM 611880.
Cardiomyopathy, familial restrictive, 1. Identifiers: Orphanet 75249, MedGen C1861861, MONDO:0007270, OMIM 115210.
Hypertrophic cardiomyopathy. Also called: HYPERTROPHIC MYOCARDIOPATHY. Identifiers: Orphanet 217569, MedGen C0007194, MeSH D002312, MONDO:0005045, HP:0001639.
Cardiovascular phenotype. Identifiers: MedGen CN230736.

Allele frequency attached by ClinVar (database versions not stated): gnomAD exomes below 0.00001.
gnomAD v4.1: 1 of 1,612,034 alleles (0.000062%); highest among the groups gnomAD compares: South Asian, 0.0011%; no homozygotes.

Submissions (5):

All of Us Research Program, National Institutes of Health
Classification: Uncertain significance for Hypertrophic cardiomyopathy. Last evaluated: 2024-06-09. Review status: criteria provided, single submitter. Criteria: ACMG Guidelines, 2015. Collection method: clinical testing. Allele origin: germline. Inheritance: Autosomal dominant inheritance. Observed: 6 variant alleles, 6 heterozygotes.
Comment: This missense variant replaces arginine with proline at codon 74 of the TNNI3 protein. Computational prediction suggests that this variant may have deleterious impact on protein structure and function (internally defined REVEL score threshold >= 0.7, PMID: 27666373). To our knowledge, functional studies have not been reported for this variant. This variant has been reported in homozygous state in an individual affected with dilated cardiomyopathy (PMID: 20086309). This variant has not been identified in the general population by the Genome Aggregation Database (gnomAD). The available evidence is insufficient to determine the role of this variant in disease conclusively. Therefore, this variant is classified as a Variant of Uncertain Significance.

This study involves interpretation of variants in research participants for the purpose of population health screening. Participant phenotype was not available at the time of variant classification. Additional details can be found in publication PMID: 35346344, PMCID: PMC8962531

Labcorp Genetics (formerly Invitae), Labcorp
Classification: Uncertain significance for Hypertrophic cardiomyopathy. Last evaluated: 2023-12-11. Review status: criteria provided, single submitter. Criteria: Invitae Variant Classification Sherloc (09022015). Collection method: clinical testing. Allele origin: germline.
Comment: This sequence change replaces arginine, which is basic and polar, with proline, which is neutral and non-polar, at codon 74 of the TNNI3 protein (p.Arg74Pro). This variant is not present in population databases (gnomAD no frequency). This missense change has been observed in individual(s) with dilated cardiomyopathy (PMID: 20086309). ClinVar contains an entry for this variant (Variation ID: 264048). An algorithm developed to predict the effect of missense changes on protein structure and function (PolyPhen-2) suggests that this variant is likely to be disruptive. In summary, the available evidence is currently insufficient to determine the role of this variant in disease. Therefore, it has been classified as a Variant of Uncertain Significance.

AiLife Diagnostics
Classification: Uncertain significance. Last evaluated: 2022-02-25. Review status: criteria provided, single submitter. Criteria: ACMG Guidelines, 2015. Collection method: clinical testing. Allele origin: germline. Affected: yes. Observed: 4 variant alleles.

Fulgent Genetics
Classification: Uncertain significance for Cardiomyopathy, familial restrictive, 1; Dilated cardiomyopathy 2A; Dilated cardiomyopathy 1FF; Hypertrophic cardiomyopathy 7. Last evaluated: 2021-08-04. Review status: criteria provided, single submitter. Criteria: ACMG Guidelines, 2015. Collection method: clinical testing. Allele origin: unknown.

Ambry Genetics
Classification: Uncertain significance for Cardiovascular phenotype. Last evaluated: 2019-10-02. Review status: criteria provided, single submitter. Criteria: Ambry Variant Classification Scheme 2023. Collection method: clinical testing. Allele origin: germline.
Comment: The p.R74P variant (also known as c.221G>C), located in coding exon 5 of the TNNI3 gene, results from a G to C substitution at nucleotide position 221. The arginine at codon 74 is replaced by proline, an amino acid with dissimilar properties. Other variants affecting this codon (p.R74G and p.R74S) have been reported in cardiomyopathy cohorts; however, details were limited (Cecconi M et al. Int. J. Mol. Med., 2016 Oct;38:1111-24; Hayashi T et al. J. Hum. Genet., 2018 Sep;63:989-996). This amino acid position is well conserved in available vertebrate species. In addition, this alteration is predicted to be deleterious by in silico analysis. Since supporting evidence is limited at this time, the clinical significance of this alteration remains unclear.

Literature cited by the submitters: PubMed 20086309 (cited by 4 submitters); PubMed 27600940 (cited by Ambry Genetics); PubMed 29907873 (cited by Ambry Genetics).